The following is an entry in ClinVar:

ClinVar aggregate classification (germline): Pathogenic (1 of 4 stars; one submission).

Submission:

Labcorp Genetics (formerly Invitae), Labcorp
Classification: Pathogenic. Last evaluated: 2023-10-05. Review status: criteria provided, single submitter. Criteria: Invitae Variant Classification Sherloc (09022015). Collection method: clinical testing. Allele origin: germline.
Comment: This sequence change creates a premature translational stop signal (p.Gln1838*) in the SPEG gene. It is expected to result in an absent or disrupted protein product. Loss-of-function variants in SPEG are known to be pathogenic (PMID: 19118250, 25087613). This variant is not present in population databases (gnomAD no frequency). This variant has not been reported in the literature in individuals affected with SPEG-related conditions. For these reasons, this variant has been classified as Pathogenic.

Literature cited by the submitters: PubMed 19118250; PubMed 25087613.

NM_005876.5(SPEG):c.5512C>T (p.Gln1838Ter)

Gene: SPEG (striated muscle enriched protein kinase; plus strand). Cytogenetic location: 2q35.
Variant type: single nucleotide variant.
Coding change: c.5512C>T on transcript NM_005876.5 (MANE Select); coding-DNA position 5512, C replaced by T.
Protein change: p.Gln1838Ter; replaces glutamine 1838 with a stop codon.
Molecular consequence: nonsense.
Genome position (GRCh38, 1-based): chr2:219,481,446, C>T. VCF-style: chr2-219481446-C-T. GRCh37 (hg19) VCF-style: chr2-220346168-C-T.
Other names: short protein forms Q1838*.
Identifiers: ClinVar variation 2765950 (VCV002765950.3), dbSNP rs2545901248, ClinGen allele CA350690352.